The following is an entry in ClinVar:

ClinVar aggregate classification (germline): Benign. Review status: criteria provided, multiple submitters, no conflicts (2 of 4 stars). 4 submissions from 4 submitters: Benign (4). Last evaluated 2026-02-04.

Allele frequency attached by ClinVar (database versions not stated): gnomAD exomes 0.62510 and 0.61617; 1000 Genomes Project 30x 0.62992; gnomAD 0.64811 and 0.65304; ESP Exome Variant Server 0.65378; TOPMed 0.64667; ExAC 0.62248; 1000 Genomes Project 0.62680.
gnomAD v4.1: 1,012,454 of 1,613,900 alleles (63%); highest among the groups gnomAD compares: African/African-American, 71%; 318,847 homozygotes.

Submissions (4):

Labcorp Genetics (formerly Invitae), Labcorp
Classification: Benign. Last evaluated: 2026-02-04. Review status: criteria provided, single submitter. Criteria: Invitae Variant Classification Sherloc (09022015). Collection method: clinical testing. Allele origin: germline.

Women's Health and Genetics/Laboratory Corporation of America, LabCorp
Classification: Benign. Last evaluated: 2026-01-21. Review status: criteria provided, single submitter. Criteria: LabCorp Variant Classification Summary - May 2015. Collection method: clinical testing. Allele origin: germline.

GeneDx
Classification: Benign. Last evaluated: 2020-07-14. Review status: criteria provided, single submitter. Criteria: GeneDx Variant Classification Process June 2021. Collection method: clinical testing. Allele origin: germline. Affected: yes.
Comment: This variant is associated with the following publications: (PMID: 24649057)

Breakthrough Genomics
Classification: Benign. Review status: criteria provided, single submitter. Criteria: ACMG Guidelines, 2015. Collection method: not provided. Allele origin: germline. Inheritance: Autosomal dominant inheritance. Affected: yes.

NM_025144.4(ALPK1):c.2196G>A (p.Met732Ile)

Gene: ALPK1 (alpha kinase 1; plus strand). Cytogenetic location: 4q25.
Variant type: single nucleotide variant.
Coding change: c.2196G>A on transcript NM_025144.4 (MANE Select); coding-DNA position 2196, G replaced by A.
Protein change: p.Met732Ile; replaces methionine 732 with isoleucine.
Molecular consequence: missense variant.
Genome position (GRCh38, 1-based): chr4:112,431,743, G>A. VCF-style: chr4-112431743-G-A. GRCh37 (hg19) VCF-style: chr4-113352899-G-A.
Other names: c.2196G>A, p.Met732Ile (NM_001102406.2); c.1962G>A, p.Met654Ile (NM_001253884.2); short protein forms M654I, M732I.
Identifiers: ClinVar variation 1247351 (VCV001247351.9), dbSNP rs2074379, ClinGen allele CA3046874.